The following is an entry in ClinVar:

ClinVar aggregate classification (germline): Conflicting classifications of pathogenicity. Review status: criteria provided, conflicting classifications (1 of 4 stars). 3 submissions from 3 submitters: Uncertain significance (1); Likely benign (2). Last evaluated 2024-11-05.

Conditions:
Hereditary breast ovarian cancer syndrome. Also called: Hereditary breast and ovarian cancer syndrome (HBOC); Hereditary breast and ovarian cancer syndrome; Breast and ovarian cancer; Hereditary breast and ovarian cancer; Hereditary breast and/or ovarian cancer syndrome; BRCA1- and BRCA2-Associated Hereditary Breast and Ovarian Cancer. Identifiers: Orphanet 145, MedGen C0677776, MeSH D061325, MONDO:0003582. Disease mechanism: loss of function.
Hereditary cancer-predisposing syndrome. Also called: Neoplastic Syndromes, Hereditary; Tumor predisposition; Hereditary neoplastic syndrome; Hereditary Cancer Syndrome. Identifiers: Orphanet 140162, MedGen C0027672, MeSH D009386, MONDO:0015356.

Submissions (3):

Ambry Genetics
Classification: Likely benign for Hereditary cancer-predisposing syndrome. Last evaluated: 2024-11-05. Review status: criteria provided, single submitter. Criteria: Ambry Variant Classification Scheme 2023. Collection method: clinical testing. Allele origin: germline.

University of Washington Department of Laboratory Medicine, University of Washington
Classification: Likely benign for Hereditary cancer-predisposing syndrome. Last evaluated: 2023-03-23. Review status: criteria provided, single submitter. Criteria: Dines et al. (Genet Med. 2020). Collection method: curation. Allele origin: germline.
Comment: Missense variant in a coldspot region where missense variants are very unlikely to be pathogenic (PMID:31911673).

BRCA2 exon 11 coldspot. Reclassification based on statistical prior probability.

Labcorp Genetics (formerly Invitae), Labcorp
Classification: Uncertain significance for Hereditary breast ovarian cancer syndrome. Last evaluated: 2019-10-06. Review status: criteria provided, single submitter. Criteria: Invitae Variant Classification Sherloc (09022015). Collection method: clinical testing. Allele origin: germline.
Comment: This sequence change replaces aspartic acid with asparagine at codon 1355 of the BRCA2 protein (p.Asp1355Asn). The aspartic acid residue is weakly conserved and there is a small physicochemical difference between aspartic acid and asparagine. In summary, the available evidence is currently insufficient to determine the role of this variant in disease. Therefore, it has been classified as a Variant of Uncertain Significance. Algorithms developed to predict the effect of missense changes on protein structure and function (SIFT, PolyPhen-2, Align-GVGD) all suggest that this variant is likely to be tolerated, but these predictions have not been confirmed by published functional studies and their clinical significance is uncertain. This variant has not been reported in the literature in individuals with BRCA2-related disease. This variant is not present in population databases (ExAC no frequency).

NM_000059.4(BRCA2):c.4063G>A (p.Asp1355Asn)

Gene: BRCA2 (BRCA2 DNA repair associated; plus strand). Cytogenetic location: 13q13.1.
Variant type: single nucleotide variant.
Coding change: c.4063G>A on transcript NM_000059.4 (MANE Select); coding-DNA position 4063, G replaced by A.
Protein change: p.Asp1355Asn; replaces aspartic acid 1355 with asparagine.
Molecular consequence: missense variant.
Genome position (GRCh38, 1-based): chr13:32,338,418, G>A. VCF-style: chr13-32338418-G-A. GRCh37 (hg19) VCF-style: chr13-32912555-G-A.
Other names: short protein forms D1355N.
Identifiers: ClinVar variation 663943 (VCV000663943.13), dbSNP rs1593901299, ClinGen allele CA387779137.